The following is an entry in ClinVar:

NM_194248.3(OTOF):c.4681G>A (p.Val1561Met)

Gene: OTOF (otoferlin; minus strand). Cytogenetic location: 2p23.3.
Variant type: single nucleotide variant.
Coding change: c.4681G>A on transcript NM_194248.3 (MANE Select); coding-DNA position 4681, G replaced by A.
Protein change: p.Val1561Met; replaces valine 1561 with methionine.
Molecular consequence: missense variant.
Genome position (GRCh38, 1-based): chr2:26,465,790, C>T on the plus strand (G>A on the coding strand, the complement: OTOF is on the minus strand). VCF-style: chr2-26465790-C-T. GRCh37 (hg19) VCF-style: chr2-26688658-C-T.
Other names: c.4681G>A, p.Val1561Met (NM_001287489.2); c.2380G>A, p.Val794Met (NM_004802.4, NM_194323.3); c.2611G>A, p.Val871Met (NM_194322.3); short protein forms V1561M, V871M, V794M.
Identifiers: ClinVar variation 930085 (VCV000930085.4), dbSNP rs763032357, ClinGen allele CA1563070.

ClinVar aggregate classification (germline): Uncertain significance (1 of 4 stars; one submission).

Allele frequency attached by ClinVar (database versions not stated): gnomAD exomes below 0.00001 and 0.00001; TOPMed below 0.00001; ExAC 0.00001; gnomAD 0.00001.
gnomAD v4.1: 5 of 1,614,128 alleles (0.00031%); highest among the groups gnomAD compares: East Asian, 0.0022%; no homozygotes.

Submission:

Laboratory for Molecular Medicine, Mass General Brigham Personalized Medicine
Classification: Uncertain significance. Last evaluated: 2019-03-13. Review status: criteria provided, single submitter. Criteria: LMM Criteria. Collection method: clinical testing. Allele origin: germline. Observed: 1 variant allele.
Comment: The p.Val1561Met variant in OTOF has not been previously reported in individuals with hearing loss or auditory neuropathy spectrum disorder, but has been identified in 0.0008% (1/113742) of European chromosomes by gnomAD. Computational prediction tools and conservation analysis do not provide strong support for or against an impact to the protein. In summary, the clinical significance of this variant is uncertain. ACMG/AMP Criteria applied: PM2.